The following is an entry in ClinVar:

NM_014915.3(ANKRD26):c.1016A>G (p.Gln339Arg)

Gene: ANKRD26 (ankyrin repeat domain 26; minus strand). Cytogenetic location: 10p12.1.
Variant type: single nucleotide variant.
Coding change: c.1016A>G on transcript NM_014915.3 (MANE Select); coding-DNA position 1016, A replaced by G.
Protein change: p.Gln339Arg; replaces glutamine 339 with arginine.
Molecular consequence: missense variant.
Genome position (GRCh38, 1-based): chr10:27,077,399, T>C on the plus strand (A>G on the coding strand, the complement: ANKRD26 is on the minus strand). VCF-style: chr10-27077399-T-C. GRCh37 (hg19) VCF-style: chr10-27366328-T-C.
Other names: c.1016A>G, p.Gln339Arg (NM_001256053.2); short protein forms Q339R.
Identifiers: ClinVar variation 4845144 (VCV004845144.1).

ClinVar aggregate classification (germline): Uncertain significance (1 of 4 stars; one submission).

Conditions:
Inborn genetic diseases. Identifiers: MedGen C0950123, MeSH D030342.

Submission:

Ambry Genetics
Classification: Uncertain significance for Inborn genetic diseases. Last evaluated: 2026-02-16. Review status: criteria provided, single submitter. Criteria: Ambry Variant Classification Scheme 2023. Collection method: clinical testing. Allele origin: germline.
Comment: The p.Q339R variant (also known as c.1016A>G), located in coding exon 9 of the ANKRD26 gene, results from an A to G substitution at nucleotide position 1016. The glutamine at codon 339 is replaced by arginine, an amino acid with highly similar properties. This amino acid position is conserved. In addition, this alteration is predicted to be tolerated by in silico analysis. Based on the available evidence, the clinical significance of this variant remains unclear.